The following is an entry in ClinVar:

NM_020928.2(ZSWIM6):c.522CGC[6] (p.Ala181_Ala184del)

Gene: ZSWIM6 (zinc finger SWIM-type containing 6; plus strand). Cytogenetic location: 5q12.1.
Variant type: Microsatellite.
Coding change: c.522CGC[6] on transcript NM_020928.2 (MANE Select); six copies in a row of the 3-base unit CGC starting at c.522; the reference has ten copies in a row; four copies, 12 bases deleted; also written c.540_551del.
Protein change: p.Ala181_Ala184del.
Molecular consequence: inframe deletion.
Genome position (GRCh38, 1-based): chr5:61,332,812-61,332,823, CGCCGCCGCCGC deleted; deleting any 12 consecutive bases within chr5:61,332,792-61,332,823 gives the same sequence; the position shown is the placement nearest the transcript's 3' end. VCF-style (leftmost placement, unchanged base first): chr5-61332791-TGCCGCCGCCGCC-T. GRCh37 (hg19) VCF-style: chr5-60628618-TGCCGCCGCCGCC-T.
Other names: c.540_551del (NM_020928.1).
Identifiers: ClinVar variation 1991212 (VCV001991212.5), dbSNP rs1262946696, ClinGen allele CA812782251.

ClinVar aggregate classification (germline): Uncertain significance. Review status: criteria provided, multiple submitters, no conflicts (2 of 4 stars). 2 submissions from 2 submitters: Uncertain significance (2). Last evaluated 2023-06-23.

Submissions (2):

GeneDx
Classification: Uncertain significance. Last evaluated: 2023-06-23. Review status: criteria provided, single submitter. Criteria: GeneDx Variant Classification Process June 2021. Collection method: clinical testing. Allele origin: germline. Affected: yes.
Comment: Not observed at significant frequency in large population cohorts (gnomAD); In-frame deletion of 4 amino acids in a repetitive region with no known function; Has not been previously published as pathogenic or benign to our knowledge

Labcorp Genetics (formerly Invitae), Labcorp
Classification: Uncertain significance. Last evaluated: 2021-01-18. Review status: criteria provided, single submitter. Criteria: Invitae Variant Classification Sherloc (09022015). Collection method: clinical testing. Allele origin: germline.
Comment: In summary, the available evidence is currently insufficient to determine the role of this variant in disease. Therefore, it has been classified as a Variant of Uncertain Significance. Experimental studies and prediction algorithms are not available or were not evaluated, and the functional significance of this variant is currently unknown. This variant has not been reported in the literature in individuals with ZSWIM6-related conditions. The frequency data for this variant in the population databases is considered unreliable, as metrics indicate insufficient coverage at this position in the ExAC database. This variant, c.540_551del, results in the deletion of 4 amino acid(s) of the ZSWIM6 protein (p.Ala181_Ala184del), but otherwise preserves the integrity of the reading frame.